The following is an entry in ClinVar:

ClinVar aggregate classification (germline): Pathogenic. Review status: reviewed by expert panel (3 of 4 stars). 3 submissions from 3 submitters: Pathogenic (1). 2 of the submissions do not count toward it. Last evaluated 2016-10-18.

Conditions:
Breast-ovarian cancer, familial, susceptibility to, 2 (BROVCA2). Also called: BRCA2 Hereditary Breast and Ovarian Cancer. Identifiers: Orphanet 145, MedGen C2675520, MONDO:0012933, OMIM 612555. Disease mechanism: loss of function.

Submissions (3):

Evidence-based Network for the Interpretation of Germline Mutant Alleles (ENIGMA)
Classification: Pathogenic for Breast-ovarian cancer, familial, susceptibility to, 2. Last evaluated: 2016-10-18. Review status: reviewed by expert panel. Criteria: ENIGMA BRCA1/2 Classification Criteria (2015). Collection method: curation. Allele origin: germline.
Comment: Variant allele predicted to encode a truncated non-functional protein.

Myriad Genetics, Inc.
Classification: Pathogenic for Breast-ovarian cancer, familial, susceptibility to, 2. Last evaluated: 2026-04-07. Review status: criteria provided, single submitter. Criteria: Myriad Autosomal Dominant, Autosomal Recessive and X-Linked Classification Criteria (2023). Collection method: clinical testing. Allele origin: unknown. Not counted in ClinVar's aggregate classification.
Comment: This variant is considered pathogenic. This variant creates a frameshift predicted to result in premature protein truncation.

Consortium of Investigators of Modifiers of BRCA1/2 (CIMBA), c/o University of Cambridge
Classification: Pathogenic for Breast-ovarian cancer, familial, susceptibility to, 2. Last evaluated: 2015-10-02. Review status: criteria provided, single submitter. Criteria: CIMBA Mutation Classification guidelines May 2016. Collection method: clinical testing. Allele origin: germline. Not counted in ClinVar's aggregate classification.

NM_000059.4(BRCA2):c.6356dup (p.Asn2119fs)

Gene: BRCA2 (BRCA2 DNA repair associated; plus strand). Cytogenetic location: 13q13.1.
Variant type: Duplication.
Coding change: c.6356dup on transcript NM_000059.4 (MANE Select); coding-DNA position 6356, one base duplicated (A; older notation c.6356dupA).
Protein change: p.Asn2119fs; shifts the reading frame from asparagine 2119.
Molecular consequence: frameshift variant.
Genome position (GRCh38, 1-based): chr13:32,340,711, A duplicated; the last of 3 consecutive A bases (chr13:32,340,709-32,340,711); duplicating any one gives the same sequence. VCF-style (leftmost placement, unchanged base first): chr13-32340708-T-TA. GRCh37 (hg19) VCF-style: chr13-32914845-T-TA.
Other names: 6584dupA; short protein forms N2119fs.
Identifiers: ClinVar variation 266941 (VCV000266941.6), dbSNP rs886040652, ClinGen allele CA10589371.